The following is an entry in ClinVar:

ClinVar aggregate classification (germline): Uncertain significance. Review status: criteria provided, multiple submitters, no conflicts (2 of 4 stars). 2 submissions from 2 submitters: Uncertain significance (2). Last evaluated 2024-01-11.

Conditions:
Multiple endocrine neoplasia, type 2 (MEN2). Identifiers: Orphanet 653, MedGen C4048306, MONDO:0019003. Disease mechanism: gain of function.

Submissions (2):

All of Us Research Program, National Institutes of Health
Classification: Uncertain significance for Multiple endocrine neoplasia, type 2. Last evaluated: 2024-01-11. Review status: criteria provided, single submitter. Criteria: ACMG Guidelines, 2015. Collection method: clinical testing. Allele origin: germline. Inheritance: Autosomal dominant inheritance. Observed: 1 variant allele, 1 heterozygote.
Comment: This study involves interpretation of variants in research participants for the purpose of population health screening. Participant phenotype was not available at the time of variant classification. Additional details can be found in publication PMID: 35346344, PMCID: PMC8962531

Labcorp Genetics (formerly Invitae), Labcorp
Classification: Uncertain significance for Multiple endocrine neoplasia, type 2. Last evaluated: 2022-06-27. Review status: criteria provided, single submitter. Criteria: Invitae Variant Classification Sherloc (09022015). Collection method: clinical testing. Allele origin: germline.
Comment: In summary, the available evidence is currently insufficient to determine the role of this variant in disease. Therefore, it has been classified as a Variant of Uncertain Significance. Algorithms developed to predict the effect of missense changes on protein structure and function are either unavailable or do not agree on the potential impact of this missense change (SIFT: "Tolerated"; PolyPhen-2: "Probably Damaging"; Align-GVGD: "Class C0"). This variant has not been reported in the literature in individuals affected with RET-related conditions. This variant is not present in population databases (gnomAD no frequency). This sequence change replaces valine, which is neutral and non-polar, with isoleucine, which is neutral and non-polar, at codon 882 of the RET protein (p.Val882Ile).

NM_020975.6(RET):c.2644G>A (p.Val882Ile)

Gene: RET (ret proto-oncogene; plus strand). Cytogenetic location: 10q11.21.
Variant type: single nucleotide variant.
Coding change: c.2644G>A on transcript NM_020975.6 (MANE Select); coding-DNA position 2644, G replaced by A.
Protein change: p.Val882Ile; replaces valine 882 with isoleucine.
Molecular consequence: missense variant.
Genome position (GRCh38, 1-based): chr10:43,120,117, G>A. VCF-style: chr10-43120117-G-A. GRCh37 (hg19) VCF-style: chr10-43615565-G-A.
Other names: c.2356G>A, p.Val786Ile (NM_001406766.1, NM_001406767.1, NM_001406770.1); c.2380G>A, p.Val794Ile (NM_001406768.1); c.2248G>A, p.Val750Ile (NM_001406769.1, NM_001406772.1); c.2206G>A, p.Val736Ile (NM_001406771.1, NM_001406773.1); c.2119G>A, p.Val707Ile (NM_001406774.1); c.1918G>A, p.Val640Ile (NM_001406775.1, NM_001406776.1, NM_001406777.1 and 1 more transcripts); c.1627G>A, p.Val543Ile (NM_001406785.1); c.1618G>A, p.Val540Ile (NM_001406786.1, NM_001406783.1); and 10 more; short protein forms V882I, V628I, V540I, V794I, V447I, V583I, V750I, V786I.
Identifiers: ClinVar variation 1471458 (VCV001471458.8), dbSNP rs2132960093, ClinGen allele CA376557131.